The following is an entry in ClinVar:

NM_001267550.2(TTN):c.10336T>G (p.Ser3446Ala)

Gene: TTN (titin; minus strand). Cytogenetic location: 2q31.2.
Variant type: single nucleotide variant.
Coding change: c.10336T>G on transcript NM_001267550.2 (MANE Select); coding-DNA position 10336, T replaced by G.
Protein change: p.Ser3446Ala; replaces serine 3446 with alanine.
Molecular consequence: missense variant. On other transcripts: intron variant (5).
Genome position (GRCh38, 1-based): chr2:178,757,884, A>C on the plus strand (T>G on the coding strand, the complement: TTN is on the minus strand). VCF-style: chr2-178757884-A-C. GRCh37 (hg19) VCF-style: chr2-179622611-A-C.
Other names: c.10198T>G, p.Ser3400Ala (NM_133432.3); c.10165+1100T>G (NM_003319.4); c.10166-1087T>G (NM_133437.4); c.10303+1100T>G (NM_133378.4, NM_001256850.1, NM_133379.5); short protein forms S3400A, S3446A.
Identifiers: ClinVar variation 4680895 (VCV004680895.1).

ClinVar aggregate classification (germline): Uncertain significance (1 of 4 stars; one submission).

gnomAD v4.1: 12 of 1,528,694 alleles (0.00078%); highest among the groups gnomAD compares: Non-Finnish European, 0.0011%; no homozygotes.

Submission:

GeneDx
Classification: Uncertain significance. Last evaluated: 2025-07-03. Review status: criteria provided, single submitter. Criteria: GeneDx Variant Classification Process June 2021. Collection method: clinical testing. Allele origin: germline. Affected: yes.
Comment: Not observed at significant frequency in large population cohorts (gnomAD); Missense variant in a gene in which most reported pathogenic variants are truncating/loss of function; Has not been previously published as pathogenic or benign to our knowledge; This variant is associated with the following publications: (PMID: 23975875)